The following is an entry in ClinVar:

NM_005918.4(MDH2):c.265T>G (p.Cys89Gly)

Gene: MDH2 (malate dehydrogenase 2; plus strand). Cytogenetic location: 7q11.23.
Variant type: single nucleotide variant.
Coding change: c.265T>G on transcript NM_005918.4 (MANE Select); coding-DNA position 265, T replaced by G.
Protein change: p.Cys89Gly; replaces cysteine 89 with glycine.
Molecular consequence: missense variant. On other transcripts: 5 prime UTR variant (1).
Genome position (GRCh38, 1-based): chr7:76,057,439, T>G. VCF-style: chr7-76057439-T-G. GRCh37 (hg19) VCF-style: chr7-75686757-T-G.
Other names: c.265T>G, p.Cys89Gly (NM_001282403.2); c.-57T>G (NM_001282404.2); short protein forms C89G.
Identifiers: ClinVar variation 2447833 (VCV002447833.2), dbSNP rs2535857855, ClinGen allele CA367763370.

ClinVar aggregate classification (germline): Uncertain significance (1 of 4 stars; one submission).

Conditions:
Inborn genetic diseases. Identifiers: MedGen C0950123, MeSH D030342.

Submission:

Ambry Genetics
Classification: Uncertain significance for Inborn genetic diseases. Last evaluated: 2022-11-25. Review status: criteria provided, single submitter. Criteria: Ambry Variant Classification Scheme 2023. Collection method: clinical testing. Allele origin: germline.
Comment: The p.C89G variant (also known as c.265T>G), located in coding exon 3 of the MDH2 gene, results from a T to G substitution at nucleotide position 265. The cysteine at codon 89 is replaced by glycine, an amino acid with highly dissimilar properties. This amino acid position is conserved. In addition, the in silico prediction for this alteration is inconclusive. Since supporting evidence is limited at this time, the clinical significance of this alteration remains unclear.